The following is an entry in ClinVar:

NM_002602.4(PDE6G):c.98G>A (p.Arg33Gln)

Gene: PDE6G (phosphodiesterase 6G; minus strand). Cytogenetic location: 17q25.3.
Variant type: single nucleotide variant.
Coding change: c.98G>A on transcript NM_002602.4 (MANE Select); coding-DNA position 98, G replaced by A.
Protein change: p.Arg33Gln; replaces arginine 33 with glutamine.
Molecular consequence: missense variant.
Genome position (GRCh38, 1-based): chr17:81,653,208, C>T on the plus strand (G>A on the coding strand, the complement: PDE6G is on the minus strand). VCF-style: chr17-81653208-C-T. GRCh37 (hg19) VCF-style: chr17-79620238-C-T.
Other names: c.98G>A (NM_002602.3); c.98G>A, p.Arg33Gln (NM_001365724.1, NM_001365725.1); short protein forms R33Q.
Identifiers: ClinVar variation 1356607 (VCV001356607.10), dbSNP rs1341623748, ClinGen allele CA401474446.

ClinVar aggregate classification (germline): Uncertain significance. Review status: criteria provided, multiple submitters, no conflicts (2 of 4 stars). 3 submissions from 3 submitters: Uncertain significance (3). Last evaluated 2024-05-20.

Allele frequency attached by ClinVar (database versions not stated): gnomAD 0.00001 and 0.00002; gnomAD exomes 0.00001.
gnomAD v4.1: 21 of 1,614,154 alleles (0.0013%); highest among the groups gnomAD compares: Middle Eastern, 0.033%; no homozygotes.

Submissions (3):

Ambry Genetics
Classification: Uncertain significance. Last evaluated: 2024-05-20. Review status: criteria provided, single submitter. Criteria: Ambry Variant Classification Scheme 2023. Collection method: clinical testing. Allele origin: germline.

Labcorp Genetics (formerly Invitae), Labcorp
Classification: Uncertain significance. Last evaluated: 2023-12-07. Review status: criteria provided, single submitter. Criteria: Invitae Variant Classification Sherloc (09022015). Collection method: clinical testing. Allele origin: germline.
Comment: This sequence change replaces arginine, which is basic and polar, with glutamine, which is neutral and polar, at codon 33 of the PDE6G protein (p.Arg33Gln). This variant is present in population databases (no rsID available, gnomAD 0.007%). This variant has not been reported in the literature in individuals affected with PDE6G-related conditions. ClinVar contains an entry for this variant (Variation ID: 1356607). An algorithm developed to predict the effect of missense changes on protein structure and function (PolyPhen-2) suggests that this variant is likely to be disruptive. In summary, the available evidence is currently insufficient to determine the role of this variant in disease. Therefore, it has been classified as a Variant of Uncertain Significance.

Blueprint Genetics
Classification: Uncertain significance. Last evaluated: 2023-10-10. Review status: criteria provided, single submitter. Criteria: ACMG Guidelines, 2015. Collection method: clinical testing. Allele origin: germline.